The following is an entry in ClinVar:

ClinVar aggregate classification (germline): Uncertain significance (1 of 4 stars; one submission).

Conditions:
Duchenne muscular dystrophy (DMD). Also called: MUSCULAR DYSTROPHY, PSEUDOHYPERTROPHIC PROGRESSIVE, DUCHENNE TYPE; Duchenne Muscular Dystrophy (DMD). Identifiers: Orphanet 98896, MedGen C0013264, MONDO:0010679, OMIM 310200.

Submission:

Labcorp Genetics (formerly Invitae), Labcorp
Classification: Uncertain significance for Duchenne muscular dystrophy. Last evaluated: 2020-09-01. Review status: criteria provided, single submitter. Criteria: Invitae Variant Classification Sherloc (09022015). Collection method: clinical testing. Allele origin: germline.
Comment: This variant has not been reported in the literature in individuals with DMD-related conditions. In summary, the available evidence is currently insufficient to determine the role of this variant in disease. Therefore, it has been classified as a Variant of Uncertain Significance. Experimental studies and prediction algorithms are not available or were not evaluated, and the functional significance of this variant is currently unknown. This variant results in a copy number gain of the genomic region encompassing exon(s) 37-47 of the DMD gene. While the exact position of this variant cannot be determined from the data, sub-genic copy number gains are generally in tandem (PMID: 25640679). This variant is predicted to be in-frame, and likely preserves the integrity of the reading frame.

Literature cited by the submitters: PubMed 25640679.

NC_000023.10:g.(?_31947703)_(32381085_?)dup

Gene: DMD (dystrophin; minus strand). Cytogenetic location: Xp21.1.
Variant type: Duplication.
Identifiers: ClinVar variation 1024489 (VCV001024489.6).